The following is an entry in ClinVar:

NM_000487.6(ARSA):c.1289T>C (p.Leu430Pro)

Gene: ARSA (arylsulfatase A; minus strand). Cytogenetic location: 22q13.33.
Variant type: single nucleotide variant.
Coding change: c.1289T>C on transcript NM_000487.6 (MANE Select); coding-DNA position 1289, T replaced by C.
Protein change: p.Leu430Pro; replaces leucine 430 with proline.
Molecular consequence: missense variant.
Genome position (GRCh38, 1-based): chr22:50,625,386, A>G on the plus strand (T>C on the coding strand, the complement: ARSA is on the minus strand). VCF-style: chr22-50625386-A-G. GRCh37 (hg19) VCF-style: chr22-51063814-A-G.
Other names: c.1289T>C, p.Leu430Pro (NM_001085425.3, NM_001085426.3, NM_001085427.3); c.1031T>C, p.Leu344Pro (NM_001085428.3, NM_001362782.2); short protein forms L430P, L344P.
Identifiers: ClinVar variation 68119 (VCV000068119.12), dbSNP rs199476392, ClinGen allele CA218994.

ClinVar aggregate classification (germline): Pathogenic/Likely pathogenic. Review status: criteria provided, multiple submitters, no conflicts (2 of 4 stars). 5 submissions from 5 submitters: Pathogenic (2); Likely pathogenic (2). 1 of the submissions does not count toward it. Last evaluated 2025-10-13.

Conditions:
Metachromatic leukodystrophy (MLD). Also called: Cerebral sclerosis diffuse metachromatic form; Arylsulfatase A Deficiency; CEREBROSIDE SULFATASE DEFICIENCY; METACHROMATIC LEUKOENCEPHALOPATHY; SULFATIDE LIPIDOSIS; ARSA DEFICIENCY. Identifiers: Orphanet 512, MedGen C0023522, MONDO:0018868, OMIM 250100.

Allele frequency attached by ClinVar (database versions not stated): gnomAD exomes below 0.00001; TOPMed 0.00001.

Submissions (6):

Labcorp Genetics (formerly Invitae), Labcorp
Classification: Pathogenic for Metachromatic leukodystrophy. Last evaluated: 2025-10-13. Review status: criteria provided, single submitter. Criteria: Invitae Variant Classification Sherloc (09022015). Collection method: clinical testing. Allele origin: germline.
Comment: This sequence change replaces leucine, which is neutral and non-polar, with proline, which is neutral and non-polar, at codon 430 of the ARSA protein (p.Leu430Pro). This variant is not present in population databases (gnomAD no frequency). This missense change has been observed in individual(s) with clinical features of metachromatic leukodystrophy (PMID: 9272717, 26462614; internal data). In at least one individual the data is consistent with being in trans (on the opposite chromosome) from a pathogenic variant. This variant is also known as p.L428P. ClinVar contains an entry for this variant (Variation ID: 68119). Invitae Evidence Modeling of protein sequence and biophysical properties (such as structural, functional, and spatial information, amino acid conservation, physicochemical variation, residue mobility, and thermodynamic stability) indicates that this missense variant is expected to disrupt ARSA protein function with a positive predictive value of 95%. For these reasons, this variant has been classified as Pathogenic.

Women's Health and Genetics/Laboratory Corporation of America, LabCorp
Classification: Pathogenic for Metachromatic leukodystrophy. Last evaluated: 2024-10-18. Review status: criteria provided, single submitter. Criteria: LabCorp Variant Classification Summary - May 2015. Collection method: clinical testing. Allele origin: germline.
Comment: Variant summary: ARSA c.1289T>C (p.Leu430Pro; also described as c.1283T>C, p.L428P in the literature) results in a non-conservative amino acid change in the encoded protein sequence. Four of four in-silico tools predict a damaging effect of the variant on protein function. The variant was absent in 244162 control chromosomes (gnomAD). c.1289T>C has been reported in the literature in individuals (both homozygous and compound heterozygotes) affected with metachromatic leukodystrophy (examples: Regis_1997, Cesani_2015, Grossi_2008, Internal data). These data indicate that the variant is likely to be associated with disease. The following publications have been ascertained in the context of this evaluation (PMID: 9272717, 26462614, 18693274). ClinVar contains an entry for this variant (Variation ID: 68119). Based on the evidence outlined above, the variant was classified as pathogenic.

Revvity Omics, Revvity
Classification: Likely pathogenic for Metachromatic leukodystrophy. Last evaluated: 2024-02-14. Review status: criteria provided, single submitter. Criteria: ACMG Guidelines, 2015. Collection method: clinical testing. Allele origin: germline.

GeneDx
Classification: Likely pathogenic. Last evaluated: 2022-12-01. Review status: criteria provided, single submitter. Criteria: GeneDx Variant Classification Process June 2021. Collection method: clinical testing. Allele origin: germline. Affected: yes.
Comment: Reported previously in a patient with juvenile metachromatic leukodystrophy who harbored a second variant in the ARSA gene; phase unknown (Cesani et al., 2015); Not observed in large population cohorts (gnomAD); In silico analysis supports that this missense variant has a deleterious effect on protein structure/function; Also known as p.L428P; This variant is associated with the following publications: (PMID: 26462614, 18693274, 26659599, 27915290, 9272717)

Gelb Laboratory, University of Washington
No classification provided (evidence only). Condition: Metachromatic leukodystrophy. Review status: no classification provided. Collection method: in vitro. Allele origin: not applicable. Functional consequence: loss of function. Not counted in ClinVar's aggregate classification.

UniProtKB/Swiss-Prot
No classification provided. Review status: no classification provided. Collection method: not provided. Allele origin: not provided. Not counted in ClinVar's aggregate classification.

Literature cited by the submitters: PubMed 9272717 (cited by Labcorp Genetics (formerly Invitae), Labcorp and Women's Health and Genetics/Laboratory Corporation of America, LabCorp); PubMed 26462614 (cited by Labcorp Genetics (formerly Invitae), Labcorp and Women's Health and Genetics/Laboratory Corporation of America, LabCorp); PubMed 18693274 (cited by Women's Health and Genetics/Laboratory Corporation of America, LabCorp).